The following is an entry in ClinVar:

ClinVar aggregate classification (germline): Conflicting classifications of pathogenicity. Review status: criteria provided, conflicting classifications (1 of 4 stars). 3 submissions from 3 submitters: Uncertain significance (2); Likely benign (1). Last evaluated 2024-06-21.

Conditions:
Juvenile myelomonocytic leukemia (JMML). Also called: LEUKEMIA, JUVENILE MYELOMONOCYTIC, SOMATIC. Identifiers: Orphanet 86834, MedGen C0349639, MONDO:0011908, OMIM 607785, HP:0012209.
Cardiovascular phenotype. Identifiers: MedGen CN230736.
Hereditary cancer-predisposing syndrome. Also called: Neoplastic Syndromes, Hereditary; Tumor predisposition; Hereditary Cancer Syndrome; Hereditary neoplastic syndrome. Identifiers: Orphanet 140162, MedGen C0027672, MeSH D009386, MONDO:0015356.
Neurofibromatosis, type 1 (NF1). Also called: VON RECKLINGHAUSEN DISEASE; NEUROFIBROMATOSIS, TYPE I, SOMATIC; Neurofibromatosis, type I; Peripheral type neurofibromatosis. Identifiers: Orphanet 636, MedGen C0027831, MONDO:0018975, OMIM 162200. Disease mechanism: loss of function.

Allele frequency attached by ClinVar (database versions not stated): gnomAD exomes below 0.00001; ExAC 0.00001.
gnomAD v4.1: 1 of 1,614,126 alleles (0.000062%); highest among the groups gnomAD compares: African/African-American, 0.0013%; no homozygotes.

Submissions (3):

Labcorp Genetics (formerly Invitae), Labcorp
Classification: Likely benign for Neurofibromatosis, type 1. Last evaluated: 2024-06-21. Review status: criteria provided, single submitter. Criteria: Invitae Variant Classification Sherloc (09022015). Collection method: clinical testing. Allele origin: germline.

Baylor Genetics
Classification: Uncertain significance for Juvenile myelomonocytic leukemia. Last evaluated: 2023-10-30. Review status: criteria provided, single submitter. Criteria: ACMG Guidelines, 2015. Collection method: clinical testing. Allele origin: unknown.

Ambry Genetics
Classification: Uncertain significance for Cardiovascular phenotype; Hereditary cancer-predisposing syndrome. Last evaluated: 2022-04-23. Review status: criteria provided, single submitter. Criteria: Ambry Variant Classification Scheme 2023. Collection method: clinical testing. Allele origin: germline.
Comment: The p.A132T variant (also known as c.394G>A), located in coding exon 4 of the NF1 gene, results from a G to A substitution at nucleotide position 394. The alanine at codon 132 is replaced by threonine, an amino acid with similar properties. This amino acid position is conserved. In addition, the in silico prediction for this alteration is inconclusive. Since supporting evidence is limited at this time, the clinical significance of this alteration remains unclear.

NM_001042492.3(NF1):c.394G>A (p.Ala132Thr)

Gene: NF1 (neurofibromin 1; plus strand). Cytogenetic location: 17q11.2.
Variant type: single nucleotide variant.
Coding change: c.394G>A on transcript NM_001042492.3 (MANE Select); coding-DNA position 394, G replaced by A.
Protein change: p.Ala132Thr; replaces alanine 132 with threonine.
Molecular consequence: missense variant.
Genome position (GRCh38, 1-based): chr17:31,163,291, G>A. VCF-style: chr17-31163291-G-A. GRCh37 (hg19) VCF-style: chr17-29490309-G-A.
Other names: c.394G>A, p.Ala132Thr (NM_000267.4, NM_001128147.3); short protein forms A132T.
Identifiers: ClinVar variation 1736421 (VCV001736421.8), dbSNP rs769615182, ClinGen allele CA8485534.
Genomic context (GRCh38, chr17:31,163,291, plus strand): 5'-CAGTTGCTGCCAGAAATCTGCCATTTTCTTCACACCTGTCGTGAAGGAAACCAGCATGCA[G>A]CTGAACTTCGGAATTCTGCCTCTGGGGTTTTATTTTCTCTCAGCTGCAACAACTTCAATG-3'
Protein context (NP_001035957.1, residues 122-142): HTCREGNQHA[Ala132Thr]ELRNSASGVL